The following is an entry in ClinVar:

NM_000021.4(PSEN1):c.347C>A (p.Thr116Asn)

Gene: PSEN1 (presenilin 1; plus strand). Cytogenetic location: 14q24.2.
Variant type: single nucleotide variant.
Coding change: c.347C>A on transcript NM_000021.4 (MANE Select); coding-DNA position 347, C replaced by A.
Protein change: p.Thr116Asn; replaces threonine 116 with asparagine.
Molecular consequence: missense variant.
Genome position (GRCh38, 1-based): chr14:73,173,574, C>A. VCF-style: chr14-73173574-C-A. GRCh37 (hg19) VCF-style: chr14-73640282-C-A.
Other names: c.335C>A, p.Thr112Asn (NM_007318.3); short protein forms T112N, T116N.
Identifiers: ClinVar variation 659639 (VCV000659639.15), dbSNP rs63750730, ClinGen allele CA390304675.

ClinVar aggregate classification (germline): Pathogenic. Review status: criteria provided, multiple submitters, no conflicts (2 of 4 stars). 2 submissions from 2 submitters: Pathogenic (2). Last evaluated 2025-10-01.

Conditions:
Alzheimer disease 3 (AD3). Also called: ALZHEIMER DISEASE, FAMILIAL, 3. Identifiers: Orphanet 1020, MedGen C1843013, MONDO:0011913, OMIM 607822.
Acne inversa, familial, 3 (ACNINV3). Identifiers: MedGen C3151038, MONDO:0013398, OMIM 613737.
Frontotemporal dementia (FTD1). Also called: MULTIPLE SYSTEM TAUOPATHY WITH PRESENILE DEMENTIA; WILHELMSEN-LYNCH DISEASE; Frontotemporal lobe dementia (FLDEM); FRONTOTEMPORAL LOBAR DEGENERATION WITH TAU INCLUSIONS; FTLD WITH TAU INCLUSIONS; Dementia, frontotemporal, with or without parkinsonism. Identifiers: Orphanet 282, MedGen C0338451, MONDO:0017276, OMIM 600274, HP:0002145.
Pick disease. Also called: PICK DISEASE OF BRAIN; Pick Disease of the Brain; LOBAR ATROPHY OF BRAIN; Pick's disease; DEMENTIA WITH LOBAR ATROPHY AND NEURONAL CYTOPLASMIC INCLUSIONS. Identifiers: Orphanet 282, MedGen C0236642, MONDO:0008243, OMIM 172700.

Submissions (2):

CeGaT Center for Human Genetics Tuebingen
Classification: Pathogenic. Last evaluated: 2025-10-01. Review status: criteria provided, single submitter. Criteria: CeGaT Center For Human Genetics Tuebingen Variant Classification Criteria Version 2. Collection method: clinical testing. Allele origin: germline. Affected: yes. Observed: 1 variant allele.
Comment: PSEN1: PS4, PM2, PM5, PP1, PP2, PP3, PS3:Supporting

Labcorp Genetics (formerly Invitae), Labcorp
Classification: Pathogenic for Alzheimer disease 3; Pick disease; Acne inversa, familial, 3; Frontotemporal dementia. Last evaluated: 2022-01-26. Review status: criteria provided, single submitter. Criteria: Invitae Variant Classification Sherloc (09022015). Collection method: clinical testing. Allele origin: germline.
Comment: This variant is not present in population databases (gnomAD no frequency). For these reasons, this variant has been classified as Pathogenic. Experimental studies have shown that this missense change affects PSEN1 function (PMID: 27930341). Advanced modeling of protein sequence and biophysical properties (such as structural, functional, and spatial information, amino acid conservation, physicochemical variation, residue mobility, and thermodynamic stability) performed at Invitae indicates that this missense variant is expected to disrupt PSEN1 protein function. ClinVar contains an entry for this variant (Variation ID: 659639). This missense change has been observed in individuals with early-onset Alzheimer's disease (EOAD) (PMID: 10439444, 16033913, 18667258, 27777022, 29404783). It has also been observed to segregate with disease in related individuals. This sequence change replaces threonine, which is neutral and polar, with asparagine, which is neutral and polar, at codon 116 of the PSEN1 protein (p.Thr116Asn).

Literature cited by the submitters: PubMed 27930341 (cited by Labcorp Genetics (formerly Invitae), Labcorp); PubMed 10439444 (cited by Labcorp Genetics (formerly Invitae), Labcorp); PubMed 16033913 (cited by Labcorp Genetics (formerly Invitae), Labcorp); PubMed 18667258 (cited by Labcorp Genetics (formerly Invitae), Labcorp); PubMed 27777022 (cited by Labcorp Genetics (formerly Invitae), Labcorp); PubMed 29404783 (cited by Labcorp Genetics (formerly Invitae), Labcorp).